The following is an entry in ClinVar:

NM_001267550.2(TTN):c.103910G>A (p.Arg34637Gln)

Genes: TTN (titin; minus strand), TTN-AS1 (TTN antisense RNA 1; plus strand). Cytogenetic location: 2q31.2.
Variant type: single nucleotide variant.
Coding change: c.103910G>A on transcript NM_001267550.2 (MANE Select); coding-DNA position 103910, G replaced by A.
Protein change: p.Arg34637Gln; replaces arginine 34637 with glutamine.
Molecular consequence: missense variant.
Genome position (GRCh38, 1-based): chr2:178,532,705, C>T on the plus strand (G>A on the coding strand, the complement: TTN is on the minus strand). VCF-style: chr2-178532705-C-T. GRCh37 (hg19) VCF-style: chr2-179397432-C-T.
Other names: c.96206G>A, p.Arg32069Gln (NM_133378.4); c.98987G>A, p.Arg32996Gln (NM_001256850.1); c.76715G>A, p.Arg25572Gln (NM_003319.4); c.77090G>A, p.Arg25697Gln (NM_133432.3); c.77291G>A, p.Arg25764Gln (NM_133437.4); short protein forms R32069Q, R34637Q, R25572Q, R32996Q, R25764Q, R25697Q.
Identifiers: ClinVar variation 178155 (VCV000178155.12), dbSNP rs199642423, ClinGen allele CA181570.

ClinVar aggregate classification (germline): Uncertain significance. Review status: criteria provided, multiple submitters, no conflicts (2 of 4 stars). 4 submissions from 4 submitters: Uncertain significance (4). Last evaluated 2026-09-14.

Conditions:
TTN-related disorder. Also called: TTN-related condition; TTN-related disease; TTN-related disorders.
Tibial muscular dystrophy (TMD). Also called: Udd Distal Myopathy – Tibial Muscular Dystrophy; UDD MYOPATHY; Tibial muscular dystrophy, tardive. Identifiers: Orphanet 609, MedGen C1838244, MONDO:0010870, OMIM 600334.
Myopathy, myofibrillar, 9, with early respiratory failure (MFM9). Also called: Hereditary myopathy with early respiratory failure; EDSTROM MYOPATHY; MYOPATHY, PROXIMAL, WITH EARLY RESPIRATORY MUSCLE INVOLVEMENT; Myopathy, distal, with early respiratory failure, autosomal dominant. Identifiers: Orphanet 178464, Orphanet 34521, MedGen C1863599, MONDO:0011362, OMIM 603689.
Dilated cardiomyopathy 1G (CMD1G). Identifiers: Orphanet 154, MedGen C1858763, MONDO:0011400, OMIM 604145.
Hypertrophic cardiomyopathy 9. Also called: Familial hypertrophic cardiomyopathy 9. Identifiers: MedGen C1861065, MONDO:0013412, OMIM 613765.
Autosomal recessive limb-girdle muscular dystrophy type 2J (LGMDR10). Also called: Limb-girdle muscular dystrophy, type 2J; MUSCULAR DYSTROPHY, LIMB-GIRDLE, AUTOSOMAL RECESSIVE 10. Identifiers: Orphanet 140922, MedGen C1837342, MONDO:0012127, OMIM 608807.
Early-onset myopathy with fatal cardiomyopathy (CMYO5). Also called: CONGENITAL MYOPATHY 5 WITH CARDIOMYOPATHY; Salih Myopathy. Identifiers: Orphanet 289377, MedGen C2673677, MONDO:0012714, OMIM 611705. Disease mechanism: loss of function.

Allele frequency attached by ClinVar (database versions not stated): ExAC 0.00002; gnomAD exomes 0.00002 and 0.00003; TOPMed 0.00004; gnomAD 0.00005; ESP Exome Variant Server 0.00025.
gnomAD v4.1: 30 of 1,613,796 alleles (0.0019%); highest among the groups gnomAD compares: African/African-American, 0.016%; no homozygotes.

Submissions (4):

PreventionGenetics, part of Exact Sciences
Classification: Uncertain significance for TTN-related condition. Last evaluated: 2026-09-14. Review status: criteria provided, single submitter. Criteria: ACMG Guidelines, 2015. Collection method: clinical testing. Allele origin: germline.
Comment: The TTN c.103910G>A variant is predicted to result in the amino acid substitution p.Arg34637Gln. This variant, also referred to as c.96206G>A, p.Arg32069Gln from transcript NM_133378, has been reported in three individuals of African origin from an exome sequencing population (Andreasen et al. 2013. PubMed ID: 23299917), and was reported as uncertain in an individual from the National Heart, Lung, and Blood Institute (NHLBI) Exome Sequencing Project (ESP) cohort (Table S1, Dorschner et al. 2013. PubMed ID: 24055113). It has also been reported in two individuals who had a major cardiac event prior to age 45 who also had a pathogenic PLN founder variant (van Drie et al. 2025. PubMed ID: 40222661). This variant is reported in 0.012% of alleles in individuals of African descent in gnomAD and is interpreted as uncertain in ClinVar (Variation ID: 178155). At this time, the clinical significance of this variant is uncertain due to the absence of conclusive functional and genetic evidence.

Fulgent Genetics
Classification: Uncertain significance for Tibial muscular dystrophy; Myopathy, myofibrillar, 9, with early respiratory failure; Dilated cardiomyopathy 1G; Autosomal recessive limb-girdle muscular dystrophy type 2J; Early-onset myopathy with fatal cardiomyopathy; Hypertrophic cardiomyopathy 9. Last evaluated: 2021-09-30. Review status: criteria provided, single submitter. Criteria: ACMG Guidelines, 2015. Collection method: clinical testing. Allele origin: unknown.

Laboratory for Molecular Medicine, Mass General Brigham Personalized Medicine
Classification: Uncertain significance. Last evaluated: 2019-01-18. Review status: criteria provided, single submitter. Criteria: LMM Criteria. Collection method: clinical testing. Allele origin: germline. Observed: 1 variant allele.
Comment: The p.Arg32069Gln variant in TTN has not been reported in individuals with cardiomyopathy, but has been identified in 3/3846 African American chromosomes by the NHLBI Exome Sequencing Project (dbSNP rs199642423). Computational analyses (biochemical amino acid properties, conservation, AlignGVGD, PolyPhen2, and SIFT) do not provide strong support for or against an impact to the protein. In summary, additional information is needed to fully assess the clinical significance of this variant.

Eurofins Ntd Llc (ga)
Classification: Uncertain significance. Last evaluated: 2018-07-03. Review status: criteria provided, single submitter. Criteria: EGL ClinVar v180209 classification definitions. Collection method: clinical testing. Allele origin: germline. Observed: 1 variant allele, 1 heterozygote.